The following is an entry in ClinVar:

NM_000020.3(ACVRL1):c.1273T>A (p.Phe425Ile)

Gene: ACVRL1 (activin A receptor like type 1; plus strand). Cytogenetic location: 12q13.13.
Variant type: single nucleotide variant.
Coding change: c.1273T>A on transcript NM_000020.3 (MANE Select); coding-DNA position 1273, T replaced by A.
Protein change: p.Phe425Ile; replaces phenylalanine 425 with isoleucine.
Molecular consequence: missense variant.
Genome position (GRCh38, 1-based): chr12:51,919,011, T>A. VCF-style: chr12-51919011-T-A. GRCh37 (hg19) VCF-style: chr12-52312795-T-A.
Other names: c.1273T>A, p.Phe425Ile (NM_001077401.2, NM_001406487.1, NM_001406488.1 and 1 more transcripts); c.1117T>A, p.Phe373Ile (NM_001406490.1); c.961T>A, p.Phe321Ile (NM_001406491.1, NM_001406492.1, NM_001406493.1); c.763T>A, p.Phe255Ile (NM_001406494.1); c.709T>A, p.Phe237Ile (NM_001406495.1); short protein forms F321I, F425I, F255I, F373I, F237I.
Identifiers: ClinVar variation 1766106 (VCV001766106.2), dbSNP rs2540170652, ClinGen allele CA384903744.

ClinVar aggregate classification (germline): Likely pathogenic (1 of 4 stars; one submission).

Conditions:
Cardiovascular phenotype. Identifiers: MedGen CN230736.

Submission:

Ambry Genetics
Classification: Likely pathogenic for Cardiovascular phenotype. Last evaluated: 2016-11-11. Review status: criteria provided, single submitter. Criteria: Ambry Variant Classification Scheme 2023. Collection method: clinical testing. Allele origin: germline.
Comment: The p.F425I variant (also known as c.1273T>A), located in coding exon 8 of the ACVRL1 gene, results from a T to A substitution at nucleotide position 1273. The phenylalanine at codon 425 is replaced by isoleucine, an amino acid with highly similar properties. This variant was not reported in population based cohorts in the following databases: Database of Single Nucleotide Polymorphisms (dbSNP), NHLBI Exome Sequencing Project (ESP), and 1000 Genomes Project. In the ESP, this variant was not observed in 6503 samples (13006 alleles) with coverage at this position. This amino acid position is highly conserved in available vertebrate species. In addition, the in silico prediction for this alteration is inconclusive. Alterations at the same amino acid position, F425V(Kuehl HK et al. Hum. Mutat., 2005 Mar;25:320) and F425L (Bayrak-Toydemir P et al. Genet. Med.;6:175-91), were reported in individuals with hereditary hemorrhagic telangiectasia. Based on the majority of available evidence to date, this variant is likely to be pathogenic.

Literature cited by the submitters: PubMed 15266205; PubMed 15712270.